The following is an entry in ClinVar:

ClinVar aggregate classification (germline): Conflicting classifications of pathogenicity. Review status: criteria provided, conflicting classifications (1 of 4 stars). 2 submissions from 2 submitters: Uncertain significance (1); Likely benign (1). Last evaluated 2025-04-14.

Conditions:
Dyskeratosis congenita, autosomal dominant 2. Identifiers: MedGen C3151443, MONDO:0013521, OMIM 613989.
Idiopathic Pulmonary Fibrosis. Also called: Idiopathic fibrosing alveolitis, chronic form; idiopathic fibrosing alveolitis. Identifiers: Orphanet 2032, MedGen C1800706, MeSH D054990, MONDO:0800504.
Dyskeratosis congenita. Identifiers: Orphanet 1775, MedGen C0265965, MONDO:0015780.

Allele frequency attached by ClinVar (database versions not stated): TOPMed below 0.00001.
gnomAD v4.1: 4 of 1,610,680 alleles (0.00025%); highest among the groups gnomAD compares: East Asian, 0.0089%; no homozygotes.

Submissions (2):

Ambry Genetics
Classification: Uncertain significance for Dyskeratosis congenita. Last evaluated: 2025-04-14. Review status: criteria provided, single submitter. Criteria: Ambry Variant Classification Scheme 2023. Collection method: clinical testing. Allele origin: germline.
Comment: The c.3158-5C>T intronic variant results from a C to T substitution 5 nucleotides upstream from coding exon 15 in the TERT gene. This nucleotide position is not well conserved in available vertebrate species. In silico splice site analysis predicts that this alteration will not have any significant effect on splicing. Based on the available evidence, the clinical significance of this variant remains unclear.

Labcorp Genetics (formerly Invitae), Labcorp
Classification: Likely benign for Dyskeratosis congenita, autosomal dominant 2; Idiopathic Pulmonary Fibrosis. Last evaluated: 2025-03-18. Review status: criteria provided, single submitter. Criteria: Invitae Variant Classification Sherloc (09022015). Collection method: clinical testing. Allele origin: germline.

NM_198253.3(TERT):c.3158-5C>T

Gene: TERT (telomerase reverse transcriptase; minus strand). Cytogenetic location: 5p15.33.
Variant type: single nucleotide variant.
Coding change: c.3158-5C>T on transcript NM_198253.3 (MANE Select); 5 bases into the intron before coding-DNA position 3158, C replaced by T.
Molecular consequence: intron variant.
Genome position (GRCh38, 1-based): chr5:1,254,510, G>A on the plus strand (C>T on the coding strand, the complement: TERT is on the minus strand). VCF-style: chr5-1254510-G-A. GRCh37 (hg19) VCF-style: chr5-1254625-G-A.
Other names: c.2969-5C>T (NM_001193376.3); c.3158-5C>T (NM_198253.2).
Identifiers: ClinVar variation 1629319 (VCV001629319.9), dbSNP rs776804142, ClinGen allele CA557563006.
Genomic context (GRCh38, chr5:1,254,510, plus strand): 5'-CTGCACGGCCTCGGAGGGCAGAGGGCCGGCGGCGCCCTTGGCCCCCAGCGACATCCCTGG[G>A]GGAAAACAGAGGCTGAGGAGTCACAGGCCCAGCCCAGCTCCCCTCCCAGGAGACACCGGA-3'